The following is an entry in ClinVar:

ClinVar aggregate classification (germline): Uncertain significance (1 of 4 stars; one submission).

Conditions:
Carney complex, type 1 (CNC1). Also called: CARNEY MYXOMA-ENDOCRINE COMPLEX; CARNEY COMPLEX, TYPE I. Identifiers: Orphanet 1359, MedGen C2607929, MONDO:0008057, OMIM 160980.

Submission:

Labcorp Genetics (formerly Invitae), Labcorp
Classification: Uncertain significance for Carney complex, type 1. Last evaluated: 2021-06-17. Review status: criteria provided, single submitter. Criteria: Invitae Variant Classification Sherloc (09022015). Collection method: clinical testing. Allele origin: germline.
Comment: This variant has not been reported in the literature in individuals with PRKAR1A-related conditions. This variant is not present in population databases (ExAC no frequency). This sequence change replaces valine with glycine at codon 22 of the PRKAR1A protein (p.Val22Gly). The valine residue is moderately conserved and there is a moderate physicochemical difference between valine and glycine. Algorithms developed to predict the effect of missense changes on protein structure and function are either unavailable or do not agree on the potential impact of this missense change (SIFT: "Deleterious"; PolyPhen-2: "Benign"; Align-GVGD: "Class C0"). In summary, the available evidence is currently insufficient to determine the role of this variant in disease. Therefore, it has been classified as a Variant of Uncertain Significance.

NM_002734.5(PRKAR1A):c.65T>G (p.Val22Gly)

Gene: PRKAR1A (protein kinase cAMP-dependent type I regulatory subunit alpha; plus strand). Cytogenetic location: 17q24.2.
Variant type: single nucleotide variant.
Coding change: c.65T>G on transcript NM_002734.5 (MANE Select); coding-DNA position 65, T replaced by G.
Protein change: p.Val22Gly; replaces valine 22 with glycine.
Molecular consequence: missense variant.
Genome position (GRCh38, 1-based): chr17:68,515,464, T>G. VCF-style: chr17-68515464-T-G. GRCh37 (hg19) VCF-style: chr17-66511605-T-G.
Other names: c.65T>G, p.Val22Gly (NM_001276289.2, NM_001276290.1, NM_001278433.2 and 4 more transcripts); short protein forms V22G.
Identifiers: ClinVar variation 1007510 (VCV001007510.8), dbSNP rs2085402151, ClinGen allele CA400751893.